The following is an entry in ClinVar:

NM_002281.4(KRT81):c.1367C>T (p.Pro456Leu)

Genes: KRT81 (keratin 81; minus strand), KRT86 (keratin 86; plus strand). Cytogenetic location: 12q13.13.
Variant type: single nucleotide variant.
Coding change: c.1367C>T on transcript NM_002281.4 (MANE Select); coding-DNA position 1367, C replaced by T.
Protein change: p.Pro456Leu; replaces proline 456 with leucine.
Molecular consequence: missense variant. On other transcripts: intron variant (1).
Genome position (GRCh38, 1-based): chr12:52,286,406, G>A on the plus strand (C>T on the coding strand, the complement: KRT81 is on the minus strand). VCF-style: chr12-52286406-G-A. GRCh37 (hg19) VCF-style: chr12-52680190-G-A.
Other names: c.-5+10460G>A (NM_001320198.2); short protein forms P456L.
Identifiers: ClinVar variation 4280987 (VCV004280987.7).

ClinVar aggregate classification (germline): Likely benign (1 of 4 stars; one submission).

gnomAD v4.1: 1,134 of 1,554,582 alleles (0.073%); highest among the groups gnomAD compares: African/African-American, 1.4%; 9 homozygotes.

Submission:

CeGaT Center for Human Genetics Tuebingen
Classification: Likely benign. Last evaluated: 2025-09-01. Review status: criteria provided, single submitter. Criteria: CeGaT Center For Human Genetics Tuebingen Variant Classification Criteria Version 2. Collection method: clinical testing. Allele origin: germline. Affected: yes. Observed: 1 variant allele.
Comment: KRT81: BP4, BS1; KRT86: BS1